The following is an entry in ClinVar:

ClinVar aggregate classification (germline): Likely benign. Review status: criteria provided, multiple submitters, no conflicts (2 of 4 stars). 3 submissions from 3 submitters: Likely benign (3). Last evaluated 2024-10-24.

Conditions:
Cardiovascular phenotype. Identifiers: MedGen CN230736.

Allele frequency attached by ClinVar (database versions not stated): gnomAD exomes below 0.00001; TOPMed 0.00001.
gnomAD v4.1: 4 of 1,612,892 alleles (0.00025%); highest among the groups gnomAD compares: South Asian, 0.0011%; no homozygotes.

Submissions (3):

Ambry Genetics
Classification: Likely benign for Cardiovascular phenotype. Last evaluated: 2024-10-24. Review status: criteria provided, single submitter. Criteria: Ambry Variant Classification Scheme 2023. Collection method: clinical testing. Allele origin: germline.

Blueprint Genetics
Classification: Likely benign. Last evaluated: 2022-04-20. Review status: criteria provided, single submitter. Criteria: ACMG Guidelines, 2015. Collection method: clinical testing. Allele origin: germline.

GeneDx
Classification: Likely benign. Last evaluated: 2017-11-08. Review status: criteria provided, single submitter. Criteria: GeneDx Variant Classification (06012015). Collection method: clinical testing. Allele origin: germline. Affected: yes.
Comment: This variant is considered likely benign or benign based on one or more of the following criteria: it is a conservative change, it occurs at a poorly conserved position in the protein, it is predicted to be benign by multiple in silico algorithms, and/or has population frequency not consistent with disease.

NM_001267550.2(TTN):c.43185C>T (p.Ala14395=)

Gene: TTN (titin; minus strand). Cytogenetic location: 2q31.2.
Variant type: single nucleotide variant.
Coding change: c.43185C>T on transcript NM_001267550.2 (MANE Select); coding-DNA position 43185, C replaced by T.
Protein change: p.Ala14395=; no amino-acid change (alanine 14395 retained).
Molecular consequence: synonymous variant.
Genome position (GRCh38, 1-based): chr2:178,632,946, G>A on the plus strand (C>T on the coding strand, the complement: TTN is on the minus strand). VCF-style: chr2-178632946-G-A. GRCh37 (hg19) VCF-style: chr2-179497673-G-A.
Other names: c.38262C>T, p.Ala12754= (NM_001256850.1); c.15990C>T, p.Ala5330= (NM_003319.4); c.35481C>T, p.Ala11827= (NM_133378.4); c.16365C>T, p.Ala5455= (NM_133432.3); c.16566C>T, p.Ala5522= (NM_133437.4).
Identifiers: ClinVar variation 513324 (VCV000513324.3), dbSNP rs1057519234, ClinGen allele CA61003728.
Genomic context (GRCh38, chr2:178,632,946, plus strand): 5'-ATACAAAAACGTGGCTGACAAGTAGAGCATACCTTTCACTTTCAGATTGGCTGCAGATTT[G>A]GCATTAGCAGCCTGGAAGGAAACCTCTCCTGTCATACCCAGCTGACAGTTATGAAGGATC-3'
Protein context (NP_001254479.2, residues 14385-14405): TGEVSFQAAN[Ala14395=]KSAANLKVKE